The following is an entry in ClinVar:

ClinVar aggregate classification (germline): Uncertain significance (1 of 4 stars; one submission).

Conditions:
Hereditary cancer-predisposing syndrome. Also called: Neoplastic Syndromes, Hereditary; Tumor predisposition; Hereditary Cancer Syndrome; Hereditary neoplastic syndrome. Identifiers: Orphanet 140162, MedGen C0027672, MeSH D009386, MONDO:0015356.

Submission:

Ambry Genetics
Classification: Uncertain significance for Hereditary cancer-predisposing syndrome. Last evaluated: 2025-02-16. Review status: criteria provided, single submitter. Criteria: Ambry Variant Classification Scheme 2023. Collection method: clinical testing. Allele origin: germline.
Comment: The p.T129R variant (also known as c.386C>G), located in coding exon 3 of the XRCC2 gene, results from a C to G substitution at nucleotide position 386. The threonine at codon 129 is replaced by arginine, an amino acid with similar properties. This amino acid position is conserved. In addition, the in silico prediction for this alteration is inconclusive. Since supporting evidence is limited at this time, the clinical significance of this alteration remains unclear.

NM_005431.2(XRCC2):c.386C>G (p.Thr129Arg)

Gene: XRCC2 (X-ray repair cross complementing 2; minus strand). Cytogenetic location: 7q36.1.
Variant type: single nucleotide variant.
Coding change: c.386C>G on transcript NM_005431.2 (MANE Select); coding-DNA position 386, C replaced by G.
Protein change: p.Thr129Arg; replaces threonine 129 with arginine.
Molecular consequence: missense variant.
Genome position (GRCh38, 1-based): chr7:152,649,099, G>C on the plus strand (C>G on the coding strand, the complement: XRCC2 is on the minus strand). VCF-style: chr7-152649099-G-C. GRCh37 (hg19) VCF-style: chr7-152346184-G-C.
Other names: short protein forms T129R.
Identifiers: ClinVar variation 1735671 (VCV001735671.3), dbSNP rs758914269, ClinGen allele CA370198812.